The following is an entry in ClinVar:

ClinVar aggregate classification (germline): Benign/Likely benign. Review status: criteria provided, multiple submitters, no conflicts (2 of 4 stars). 4 submissions from 4 submitters: Benign (1); Likely benign (3). Last evaluated 2025-08-13.

Conditions:
Juvenile polyposis syndrome (JPS). Identifiers: Orphanet 2929, MedGen C0345893, MONDO:0017380, OMIM 174900.
Hereditary cancer-predisposing syndrome. Also called: Neoplastic Syndromes, Hereditary; Hereditary Cancer Syndrome; Hereditary neoplastic syndrome; Tumor predisposition. Identifiers: Orphanet 140162, MedGen C0027672, MeSH D009386, MONDO:0015356.
Juvenile polyposis/hereditary hemorrhagic telangiectasia syndrome (JPHT). Also called: POLYPOSIS, GENERALIZED JUVENILE, WITH PULMONARY ARTERIOVENOUS MALFORMATION; TELANGIECTASIA, HEREDITARY HEMORRHAGIC, WITH JUVENILE POLYPOSIS COLI; Juvenile Polyposis Syndrome / Hereditary Hemorrhagic Telangiectasia (JPS/HHT); JP/HHT SYNDROME; JUVENILE POLYPOSIS WITH HEREDITARY HEMORRHAGIC TELANGIECTASIA. Identifiers: Orphanet 2929, MedGen C1832942, MONDO:0008278, OMIM 175050.

Allele frequency attached by ClinVar (database versions not stated): gnomAD exomes below 0.00001; TOPMed below 0.00001.
gnomAD v4.1: 2 of 1,614,024 alleles (0.00012%); highest among the groups gnomAD compares: East Asian, 0.0045%; no homozygotes.

Submissions (4):

Labcorp Genetics (formerly Invitae), Labcorp
Classification: Likely benign for Juvenile polyposis syndrome. Last evaluated: 2025-08-13. Review status: criteria provided, single submitter. Criteria: Invitae Variant Classification Sherloc (09022015). Collection method: clinical testing. Allele origin: germline.

Myriad Genetics, Inc.
Classification: Benign for Juvenile polyposis/hereditary hemorrhagic telangiectasia syndrome. Last evaluated: 2025-03-18. Review status: criteria provided, single submitter. Criteria: Myriad Autosomal Dominant, Autosomal Recessive and X-Linked Classification Criteria (2023). Collection method: clinical testing. Allele origin: unknown.
Comment: This variant is considered benign. This variant is a silent/synonymous amino acid change and it is not expected to impact splicing.

Color Diagnostics, LLC DBA Color Health
Classification: Likely benign for Hereditary cancer-predisposing syndrome. Last evaluated: 2025-01-19. Review status: criteria provided, single submitter. Criteria: ACMG Guidelines, 2015. Collection method: clinical testing. Allele origin: germline.

GeneDx
Classification: Likely benign. Last evaluated: 2016-08-09. Review status: criteria provided, single submitter. Criteria: GeneDx Variant Classification (06012015). Collection method: clinical testing. Allele origin: germline. Affected: yes.
Comment: This variant is considered likely benign or benign based on one or more of the following criteria: it is a conservative change, it occurs at a poorly conserved position in the protein, it is predicted to be benign by multiple in silico algorithms, and/or has population frequency not consistent with disease.

NM_005359.6(SMAD4):c.126T>C (p.Ser42=)

Gene: SMAD4 (SMAD family member 4; plus strand). Cytogenetic location: 18q21.2.
Variant type: single nucleotide variant.
Coding change: c.126T>C on transcript NM_005359.6 (MANE Select); coding-DNA position 126, T replaced by C.
Protein change: p.Ser42=; no amino-acid change (serine 42 retained).
Molecular consequence: synonymous variant.
Genome position (GRCh38, 1-based): chr18:51,047,172, T>C. VCF-style: chr18-51047172-T-C. GRCh37 (hg19) VCF-style: chr18-48573542-T-C.
Identifiers: ClinVar variation 388467 (VCV000388467.13), dbSNP rs1057523114, ClinGen allele CA16607594.